The following is an entry in ClinVar:

ClinVar aggregate classification (germline): Uncertain significance. Review status: criteria provided, multiple submitters, no conflicts (2 of 4 stars). 2 submissions from 2 submitters: Uncertain significance (2). Last evaluated 2025-06-26.

Allele frequency attached by ClinVar (database versions not stated): ExAC 0.00003; gnomAD 0.00003; TOPMed 0.00003; ESP Exome Variant Server 0.00008.

Submissions (2):

Ambry Genetics
Classification: Uncertain significance. Last evaluated: 2025-06-26. Review status: criteria provided, single submitter. Criteria: Ambry Variant Classification Scheme 2023. Collection method: clinical testing. Allele origin: germline.

Labcorp Genetics (formerly Invitae), Labcorp
Classification: Uncertain significance. Last evaluated: 2024-08-13. Review status: criteria provided, single submitter. Criteria: Invitae Variant Classification Sherloc (09022015). Collection method: clinical testing. Allele origin: germline.
Comment: This sequence change replaces serine, which is neutral and polar, with leucine, which is neutral and non-polar, at codon 171 of the TERF2IP protein (p.Ser171Leu). The frequency data for this variant in the population databases is considered unreliable, as metrics indicate poor data quality at this position in the gnomAD database. This variant has not been reported in the literature in individuals affected with TERF2IP-related conditions. ClinVar contains an entry for this variant (Variation ID: 1745531). An algorithm developed to predict the effect of missense changes on protein structure and function (PolyPhen-2) suggests that this variant is likely to be tolerated. In summary, the available evidence is currently insufficient to determine the role of this variant in disease. Therefore, it has been classified as a Variant of Uncertain Significance.

NM_018975.4(TERF2IP):c.512C>T (p.Ser171Leu)

Gene: TERF2IP (TERF2 interacting protein; plus strand). Cytogenetic location: 16q23.1.
Variant type: single nucleotide variant.
Coding change: c.512C>T on transcript NM_018975.4 (MANE Select); coding-DNA position 512, C replaced by T.
Protein change: p.Ser171Leu; replaces serine 171 with leucine.
Molecular consequence: missense variant. On other transcripts: non-coding transcript variant (1).
Genome position (GRCh38, 1-based): chr16:75,648,394, C>T. VCF-style: chr16-75648394-C-T. GRCh37 (hg19) VCF-style: chr16-75682292-C-T.
Other names: short protein forms S171L.
Identifiers: ClinVar variation 1745531 (VCV001745531.6), dbSNP rs377654725, ClinGen allele CA8178005.